The following is an entry in ClinVar:

ClinVar aggregate classification (germline): Pathogenic. Review status: reviewed by expert panel (3 of 4 stars). 2 submissions from 2 submitters: Pathogenic (1). 1 of the submissions does not count toward it. Last evaluated 2016-10-18.

Conditions:
Breast-ovarian cancer, familial, susceptibility to, 1 (BROVCA1). Also called: BRCA1 Hereditary Breast and Ovarian Cancer; OVARIAN CANCER, SUSCEPTIBILITY TO. Identifiers: Orphanet 145, MedGen C2676676, MONDO:0011450, OMIM 604370. Disease mechanism: loss of function.

Submissions (2):

Evidence-based Network for the Interpretation of Germline Mutant Alleles (ENIGMA)
Classification: Pathogenic for Breast-ovarian cancer, familial, susceptibility to, 1. Last evaluated: 2016-10-18. Review status: reviewed by expert panel. Criteria: ENIGMA BRCA1/2 Classification Criteria (2015). Collection method: curation. Allele origin: germline.
Comment: Variant allele predicted to encode a truncated non-functional protein.

Consortium of Investigators of Modifiers of BRCA1/2 (CIMBA), c/o University of Cambridge
Classification: Pathogenic for Breast-ovarian cancer, familial, susceptibility to, 1. Last evaluated: 2015-10-02. Review status: criteria provided, single submitter. Criteria: CIMBA Mutation Classification guidelines May 2016. Collection method: clinical testing. Allele origin: germline. Not counted in ClinVar's aggregate classification.

NM_007294.4(BRCA1):c.3381T>G (p.Tyr1127Ter)

Genes: BRCA1 (BRCA1 DNA repair associated; minus strand), LOC126862571 (BRD4-independent group 4 enhancer GRCh37_chr17:41243136-41244335; plus strand). Cytogenetic location: 17q21.31.
Variant type: single nucleotide variant.
Coding change: c.3381T>G on transcript NM_007294.4 (MANE Select); coding-DNA position 3381, T replaced by G.
Protein change: p.Tyr1127Ter; replaces tyrosine 1127 with a stop codon.
Molecular consequence: nonsense. On other transcripts: intron variant (137).
Genome position (GRCh38, 1-based): chr17:43,092,150, A>C on the plus strand (T>G on the coding strand, the complement: BRCA1 is on the minus strand). VCF-style: chr17-43092150-A-C. GRCh37 (hg19) VCF-style: chr17-41244167-A-C.
Other names: 3500T>G-Tyr1127ter; c.3168T>G, p.Tyr1056Ter (NM_001407571.1, NM_001407853.1, NM_001407894.1 and 9 more transcripts); c.3381T>G, p.Tyr1127Ter (NM_001407581.1, NM_001407582.1, NM_001407583.1 and 30 more transcripts); c.3378T>G, p.Tyr1126Ter (NM_001407587.1, NM_001407590.1, NM_001407591.1 and 22 more transcripts); c.3372T>G, p.Tyr1124Ter (NM_001407646.1, NM_001407647.1); c.3258T>G, p.Tyr1086Ter (NM_001407648.1, NM_001407664.1, NM_001407665.1 and 19 more transcripts); c.3255T>G, p.Tyr1085Ter (NM_001407649.1, NM_001407670.1, NM_001407671.1 and 11 more transcripts); c.3303T>G, p.Tyr1101Ter (NM_001407653.1, NM_001407654.1, NM_001407655.1 and 4 more transcripts); and 42 more; short protein forms Y1127*, Y1080*, Y1000*, Y1038*, Y1039*, Y1126*, Y959*, Y1016*.
Identifiers: ClinVar variation 266362 (VCV000266362.7), dbSNP rs781319410, ClinGen allele CA10589760.
Genomic context (GRCh38, chr17:43,092,150, plus strand): 5'-AGAACAAACCTGAGATGCATGACTACTTCCCATAGGCTGTTCTAAGTTATCTGAAATCAG[A>C]TATGGAGAGAAATCTGTATTAACAGTCTGAACTACTTCTTCATATTCTTGCTTTTTTATT-3'